The following is an entry in ClinVar:

ClinVar aggregate classification (germline): Uncertain significance (1 of 4 stars; one submission).

Conditions:
Spastic paraplegia. Identifiers: MedGen C0037772, HP:0001258.

Submission:

Labcorp Genetics (formerly Invitae), Labcorp
Classification: Uncertain significance for Spastic paraplegia. Last evaluated: 2018-01-17. Review status: criteria provided, single submitter. Criteria: Invitae Variant Classification Sherloc (09022015). Collection method: clinical testing. Allele origin: germline.
Comment: While this variant is not present in population databases, the frequency information is unreliable, as metrics indicate poor data quality at this position in the ExAC database. In summary, the available evidence is currently insufficient to determine the role of this variant in disease. Therefore, it has been classified as a Variant of Uncertain Significance. Algorithms developed to predict the effect of missense changes on protein structure and function do not agree on the potential impact of this missense change (SIFT: "Deleterious"; PolyPhen-2: "Benign"; Align-GVGD: "Class C0"). This variant has not been reported in the literature in individuals with GJC2-related disease. This sequence change replaces glycine with arginine at codon 365 of the GJC2 protein (p.Gly365Arg). The glycine residue is moderately conserved and there is a moderate physicochemical difference between glycine and arginine.

NM_020435.4(GJC2):c.1093G>A (p.Gly365Arg)

Gene: GJC2 (gap junction protein gamma 2; plus strand). Cytogenetic location: 1q42.13.
Variant type: single nucleotide variant.
Coding change: c.1093G>A on transcript NM_020435.4 (MANE Select); coding-DNA position 1093, G replaced by A.
Protein change: p.Gly365Arg; replaces glycine 365 with arginine.
Molecular consequence: missense variant.
Genome position (GRCh38, 1-based): chr1:228,158,851, G>A. VCF-style: chr1-228158851-G-A. GRCh37 (hg19) VCF-style: chr1-228346552-G-A.
Other names: short protein forms G365R.
Identifiers: ClinVar variation 1046237 (VCV001046237.8), dbSNP rs1434548378, ClinGen allele CA345100541.